The following is an entry in ClinVar:

NM_021971.4(GMPPB):c.761T>G (p.Val254Gly)

Gene: GMPPB (GDP-mannose pyrophosphorylase B; minus strand). Cytogenetic location: 3p21.31.
Variant type: single nucleotide variant.
Coding change: c.761T>G on transcript NM_021971.4 (MANE Select); coding-DNA position 761, T replaced by G.
Protein change: p.Val254Gly; replaces valine 254 with glycine.
Molecular consequence: missense variant.
Genome position (GRCh38, 1-based): chr3:49,722,238, A>C on the plus strand (T>G on the coding strand, the complement: GMPPB is on the minus strand). VCF-style: chr3-49722238-A-C. GRCh37 (hg19) VCF-style: chr3-49759671-A-C.
Other names: c.761T>G, p.Val254Gly (NM_013334.4); short protein forms V254G.
Identifiers: ClinVar variation 1809756 (VCV001809756.1), dbSNP rs2544753146, ClinGen allele CA352827970.
Genomic context (GRCh38, chr3:49,722,238, plus strand): 5'-CACTTGTCTCCCAAGACTGAGGGGGTTAATGATGGGCTGGGCAAGGGCCTCACCACCAGC[A>C]CGTTGCCCACAATGCCAGGGCCTGAGCACAGCCGCTCAGGCTGCTTCTGCCTCAGTGACT-3'
Protein context (NP_068806.2, residues 244-264): LCSGPGIVGN[Val254Gly]LVDPSARIGQ

ClinVar aggregate classification (germline): Uncertain significance (1 of 4 stars; one submission).

Submission:

Athena Diagnostics
Classification: Uncertain significance. Last evaluated: 2021-05-26. Review status: criteria provided, single submitter. Criteria: Athena Diagnostics Criteria. Collection method: clinical testing. Allele origin: unknown.
Comment: This observation is not an independent occurrence and has been identified in the same individual by RCIGM, the other laboratory participating in the GEMINI study.